The following is an entry in ClinVar:

ClinVar aggregate classification (germline): Uncertain significance (1 of 4 stars; one submission).

Conditions:
Cardiovascular phenotype. Identifiers: MedGen CN230736.

Allele frequency attached by ClinVar (database versions not stated): TOPMed 0.00001; ESP Exome Variant Server 0.00008.
gnomAD v4.1: 1 of 1,614,116 alleles (0.000062%); highest among the groups gnomAD compares: Non-Finnish European, 0.000085%; no homozygotes.

Submission:

Ambry Genetics
Classification: Uncertain significance for Cardiovascular phenotype. Last evaluated: 2020-09-09. Review status: criteria provided, single submitter. Criteria: Ambry Variant Classification Scheme 2023. Collection method: clinical testing. Allele origin: germline.
Comment: The p.I2383T variant (also known as c.7148T>C), located in coding exon 29 of the TTN gene, results from a T to C substitution at nucleotide position 7148. The isoleucine at codon 2383 is replaced by threonine, an amino acid with similar properties. This amino acid position is not well conserved in available vertebrate species. In addition, the in silico prediction for this alteration is inconclusive. Since supporting evidence is limited at this time, the clinical significance of this alteration remains unclear.

NM_001267550.2(TTN):c.7286T>C (p.Ile2429Thr)

Genes: TTN (titin; minus strand), LOC126806433 (BRD4-independent group 4 enhancer GRCh37_chr2:179638309-179639508; plus strand). Cytogenetic location: 2q31.2.
Variant type: single nucleotide variant.
Coding change: c.7286T>C on transcript NM_001267550.2 (MANE Select); coding-DNA position 7286, T replaced by C.
Protein change: p.Ile2429Thr; replaces isoleucine 2429 with threonine.
Molecular consequence: missense variant.
Genome position (GRCh38, 1-based): chr2:178,773,882, A>G on the plus strand (T>C on the coding strand, the complement: TTN is on the minus strand). VCF-style: chr2-178773882-A-G. GRCh37 (hg19) VCF-style: chr2-179638609-A-G.
Other names: c.7286T>C, p.Ile2429Thr (NM_001256850.1, NM_133378.4, NM_133379.5); c.7148T>C, p.Ile2383Thr (NM_003319.4, NM_133432.3, NM_133437.4); short protein forms I2383T, I2429T.
Identifiers: ClinVar variation 1757366 (VCV001757366.2), dbSNP rs148266341, ClinGen allele CA61006731.